The following is an entry in ClinVar:

ClinVar aggregate classification (germline): Benign/Likely benign. Review status: criteria provided, multiple submitters, no conflicts (2 of 4 stars). 4 submissions from 4 submitters: Benign (1); Likely benign (3). Last evaluated 2025-09-03.

Conditions:
Hereditary diffuse gastric adenocarcinoma (HDGC). Also called: DIFFUSE GASTRIC AND LOBULAR BREAST CANCER SYNDROME. Identifiers: Orphanet 26106, MedGen C1708349, MONDO:0007648, OMIM 137215.
Hereditary cancer-predisposing syndrome. Also called: Neoplastic Syndromes, Hereditary; Hereditary neoplastic syndrome; Tumor predisposition; Hereditary Cancer Syndrome. Identifiers: Orphanet 140162, MedGen C0027672, MeSH D009386, MONDO:0015356.

Submissions (4):

Labcorp Genetics (formerly Invitae), Labcorp
Classification: Likely benign for Hereditary diffuse gastric adenocarcinoma. Last evaluated: 2025-09-03. Review status: criteria provided, single submitter. Criteria: Invitae Variant Classification Sherloc (09022015). Collection method: clinical testing. Allele origin: germline.

Ambry Genetics
Classification: Likely benign for Hereditary cancer-predisposing syndrome. Last evaluated: 2025-04-29. Review status: criteria provided, single submitter. Criteria: Ambry Variant Classification Scheme 2023. Collection method: clinical testing. Allele origin: germline.

Myriad Genetics, Inc.
Classification: Benign for Hereditary diffuse gastric adenocarcinoma. Last evaluated: 2024-09-17. Review status: criteria provided, single submitter. Criteria: Myriad Autosomal Dominant, Autosomal Recessive and X-Linked Classification Criteria (2023). Collection method: clinical testing. Allele origin: unknown.
Comment: This variant is considered benign. This variant is a silent/synonymous amino acid change and it is not expected to impact splicing.

GeneDx
Classification: Likely benign. Last evaluated: 2016-04-04. Review status: criteria provided, single submitter. Criteria: GeneDx Variant Classification (06012015). Collection method: clinical testing. Allele origin: germline. Affected: yes.
Comment: This variant is considered likely benign or benign based on one or more of the following criteria: it is a conservative change, it occurs at a poorly conserved position in the protein, it is predicted to be benign by multiple in silico algorithms, and/or has population frequency not consistent with disease.

NM_004360.5(CDH1):c.915C>T (p.Leu305=)

Gene: CDH1 (cadherin 1; plus strand). Cytogenetic location: 16q22.1.
Variant type: single nucleotide variant.
Coding change: c.915C>T on transcript NM_004360.5 (MANE Select); coding-DNA position 915, C replaced by T.
Protein change: p.Leu305=; no amino-acid change (leucine 305 retained).
Molecular consequence: synonymous variant. On other transcripts: 5 prime UTR variant (2).
Genome position (GRCh38, 1-based): chr16:68,811,766, C>T. VCF-style: chr16-68811766-C-T. GRCh37 (hg19) VCF-style: chr16-68845669-C-T.
Other names: c.915C>T (LRG_301t1); c.915C>T, p.Leu305= (NM_001317184.2); c.-701C>T (NM_001317185.2); c.-905C>T (NM_001317186.2).
Identifiers: ClinVar variation 385295 (VCV000385295.12), dbSNP rs1057522178, ClinGen allele CA16608245.